The following is an entry in ClinVar:

ClinVar aggregate classification (germline): Uncertain significance (1 of 4 stars; one submission).

Conditions:
Hereditary cancer-predisposing syndrome. Also called: Neoplastic Syndromes, Hereditary; Tumor predisposition; Hereditary Cancer Syndrome; Hereditary neoplastic syndrome. Identifiers: Orphanet 140162, MedGen C0027672, MeSH D009386, MONDO:0015356.

Submission:

Ambry Genetics
Classification: Uncertain significance for Hereditary cancer-predisposing syndrome. Last evaluated: 2025-09-22. Review status: criteria provided, single submitter. Criteria: Ambry Variant Classification Scheme 2023. Collection method: clinical testing. Allele origin: germline.
Comment: The p.E66G variant (also known as c.197A>G), located in coding exon 2 of the CTNNA1 gene, results from an A to G substitution at nucleotide position 197. The glutamic acid at codon 66 is replaced by glycine, an amino acid with similar properties. This amino acid position is conserved. In addition, the in silico prediction for this alteration is inconclusive. Based on the available evidence, the clinical significance of this variant remains unclear.

NM_001903.5(CTNNA1):c.197A>G (p.Glu66Gly)

Gene: CTNNA1 (catenin alpha 1; plus strand). Cytogenetic location: 5q31.2.
Variant type: single nucleotide variant.
Coding change: c.197A>G on transcript NM_001903.5 (MANE Select); coding-DNA position 197, A replaced by G.
Protein change: p.Glu66Gly; replaces glutamic acid 66 with glycine.
Molecular consequence: missense variant. On other transcripts: 5 prime UTR variant (1), intron variant (1).
Genome position (GRCh38, 1-based): chr5:138,783,268, A>G. VCF-style: chr5-138783268-A-G. GRCh37 (hg19) VCF-style: chr5-138118957-A-G.
Other names: c.197A>G, p.Glu66Gly (NM_001290307.3, NM_001323982.2, NM_001323983.1 and 3 more transcripts); c.-10A>G (NM_001290310.3); c.-9+1239A>G (NM_001290309.3); short protein forms E66G.
Identifiers: ClinVar variation 4635396 (VCV004635396.1).
Genomic context (GRCh38, chr5:138,783,268, plus strand): 5'-GGCCCTCTAATAAGAAGAGAGGTCGTTCTAAGAAGGCCCATGTTTTGGCTGCATCTGTTG[A>G]ACAAGCAACTGAGAATTTCTTGGAGAAGGGGGATAAAATTGCGAAGGAGAGCCAGTTTCT-3'
Protein context (NP_001894.2, residues 56-76): KKAHVLAASV[Glu66Gly]QATENFLEKG